The following is an entry in ClinVar:

NM_006231.4(POLE):c.5762_5765del (p.Asn1921fs)

Gene: POLE (DNA polymerase epsilon, catalytic subunit; minus strand). Cytogenetic location: 12q24.33.
Variant type: Deletion.
Coding change: c.5762_5765del on transcript NM_006231.4 (MANE Select); coding-DNA positions 5762 to 5765, 4 bases deleted (ACTA; older notation c.5762_5765delACTA).
Protein change: p.Asn1921fs; shifts the reading frame from asparagine 1921.
Molecular consequence: frameshift variant.
Genome position (GRCh38, 1-based): chr12:132,635,938-132,635,941, TAGT deleted on the plus strand (ACTA on the coding strand, the reverse complement: POLE is on the minus strand); deleting any 4 consecutive bases within chr12:132,635,938-132,635,944 gives the same sequence; the c. name uses the placement nearest the transcript's 3' end. VCF-style (leftmost placement, unchanged base first): chr12-132635937-ATAGT-A. GRCh37 (hg19) VCF-style: chr12-133212523-ATAGT-A.
Other names: short protein forms N1921fs.
Identifiers: ClinVar variation 1521219 (VCV001521219.8), dbSNP rs2042023109, ClinGen allele CA2072982465.

ClinVar aggregate classification (germline): Pathogenic (1 of 4 stars; one submission).

Submission:

Labcorp Genetics (formerly Invitae), Labcorp
Classification: Pathogenic. Last evaluated: 2025-04-07. Review status: criteria provided, single submitter. Criteria: Invitae Variant Classification Sherloc (09022015). Collection method: clinical testing. Allele origin: germline.
Comment: This sequence change creates a premature translational stop signal (p.Asn1921Metfs*77) in the POLE gene. It is expected to result in an absent or disrupted protein product. Loss-of-function variants in POLE are known to be pathogenic (PMID: 23230001, 25948378, 30503519). This variant is not present in population databases (gnomAD no frequency). This variant has not been reported in the literature in individuals affected with POLE-related conditions. ClinVar contains an entry for this variant (Variation ID: 1521219). For these reasons, this variant has been classified as Pathogenic.

Literature cited by the submitters: PubMed 23230001; PubMed 25948378; PubMed 30503519.